The following is an entry in ClinVar:

NM_014849.5(SV2A):c.1572G>A (p.Val524=)

Gene: SV2A (synaptic vesicle glycoprotein 2A; minus strand). Cytogenetic location: 1q21.2.
Variant type: single nucleotide variant.
Coding change: c.1572G>A on transcript NM_014849.5 (MANE Select); coding-DNA position 1572, G replaced by A.
Protein change: p.Val524=; no amino-acid change (valine 524 retained).
Molecular consequence: synonymous variant.
Genome position (GRCh38, 1-based): chr1:149,907,806, C>T on the plus strand (G>A on the coding strand, the complement: SV2A is on the minus strand). VCF-style: chr1-149907806-C-T. GRCh37 (hg19) VCF-style: chr1-149879358-C-T.
Other names: c.1572G>A, p.Val524= (NM_001328674.2, NM_001328675.2).
Identifiers: ClinVar variation 4874274 (VCV004874274.2).

ClinVar aggregate classification (germline): Likely benign (1 of 4 stars; one submission).

gnomAD v4.1: 8 of 1,614,032 alleles (0.0005%); highest among the groups gnomAD compares: Non-Finnish European, 0.00068%; no homozygotes.

Submission:

CeGaT Center for Human Genetics Tuebingen
Classification: Likely benign. Last evaluated: 2026-06-01. Review status: criteria provided, single submitter. Criteria: CeGaT Center For Human Genetics Tuebingen Variant Classification Criteria Version 2. Collection method: clinical testing. Allele origin: germline. Affected: yes. Observed: 1 variant allele.
Comment: SV2A: BP4, BP7